The following is an entry in ClinVar:

NM_000089.4(COL1A2):c.*24dup

Gene: COL1A2 (collagen type I alpha 2 chain; plus strand). Cytogenetic location: 7q21.3.
Variant type: Duplication.
Coding change: c.*24dup on transcript NM_000089.4 (MANE Select); 24 bases downstream of the stop codon, one base duplicated (A; older notation c.*24dupA).
Molecular consequence: 3 prime UTR variant.
Genome position (GRCh38, 1-based): chr7:94,430,417, A duplicated; the last of 6 consecutive A bases (chr7:94,430,412-94,430,417); duplicating any one gives the same sequence. VCF-style (leftmost placement, unchanged base first): chr7-94430411-T-TA. GRCh37 (hg19) VCF-style: chr7-94059723-T-TA.
Other names: c.*24dupA (NM_000089.4).
Identifiers: ClinVar variation 4688501 (VCV004688501.1).

ClinVar aggregate classification (germline): Uncertain significance (1 of 4 stars; one submission).

Submission:

Women's Health and Genetics/Laboratory Corporation of America, LabCorp
Classification: Uncertain significance. Last evaluated: 2025-12-08. Review status: criteria provided, single submitter. Criteria: LabCorp Variant Classification Summary - May 2015. Collection method: clinical testing. Allele origin: germline.
Comment: Variant summary: COL1A2 c.*24dupA is located in the untranslated mRNA region downstream of the termination codon. The frequency data for this variant in gnomAD is considered unreliable, as metrics indicate poor data quality at this position. To our knowledge, no occurrence of c.*24dupA in individuals affected with COL1A2-related conditions and no experimental evidence demonstrating its impact on protein function have been reported. No submitters have cited clinical-significance assessments for this variant to ClinVar. Based on the evidence outlined above, the variant was classified as uncertain significance.